The following is an entry in ClinVar:

NM_152419.3(HGSNAT):c.1567A>C (p.Lys523Gln)

Gene: HGSNAT (heparan-alpha-glucosaminide N-acetyltransferase; plus strand). Cytogenetic location: 8p11.21.
Variant type: single nucleotide variant.
Coding change: c.1567A>C on transcript NM_152419.3 (MANE Select); coding-DNA position 1567, A replaced by C.
Protein change: p.Lys523Gln; replaces lysine 523 with glutamine.
Molecular consequence: missense variant.
Genome position (GRCh38, 1-based): chr8:43,197,696, A>C. VCF-style: chr8-43197696-A-C. GRCh37 (hg19) VCF-style: chr8-43052839-A-C.
Other names: c.1654A>C, p.Lys552Gln (NM_001363227.2); c.1375A>C, p.Lys459Gln (NM_001363228.2); c.703A>C, p.Lys235Gln (NM_001363229.2); short protein forms K523Q, K459Q, K235Q, K552Q.
Identifiers: ClinVar variation 363150 (VCV000363150.27), dbSNP rs73569592, ClinGen allele CA4736955.

ClinVar aggregate classification (germline): Benign/Likely benign. Review status: criteria provided, multiple submitters, no conflicts (2 of 4 stars). 10 submissions from 10 submitters: Benign (3); Likely benign (3). 4 of the submissions do not count toward it. Last evaluated 2026-02-02.

Conditions:
Mucopolysaccharidosis, MPS-III-C (MPS3C). Also called: SANFILIPPO SYNDROME C; MPS III C; MUCOPOLYSACCHARIDOSIS, TYPE IIIC; MPS IIIC (Sanfilippo Syndrome Type C); Mucopolysaccharidosis type IIIC (Sanfilippo C); mucopolysaccharidosis type 3C. Identifiers: Orphanet 581, Orphanet 79271, MedGen C0086649, MONDO:0009657, OMIM 252930.
Retinitis pigmentosa 73 (RP73). Identifiers: Orphanet 791, MedGen C4225287, MONDO:0014687, OMIM 616544.

Allele frequency attached by ClinVar (database versions not stated): gnomAD exomes 0.00308 and 0.00856; ExAC 0.01063; gnomAD 0.03397 and 0.03631; ESP Exome Variant Server 0.03550; TOPMed 0.03718; 1000 Genomes Project 0.04054; 1000 Genomes Project 30x 0.04341.
gnomAD v4.1: 9,810 of 1,613,202 alleles (0.61%); highest among the groups gnomAD compares: African/African-American, 12%; 550 homozygotes.

Submissions (31):

Labcorp Genetics (formerly Invitae), Labcorp
Classification: Benign for Retinitis pigmentosa 73; Mucopolysaccharidosis, MPS-III-C. Last evaluated: 2026-02-02. Review status: criteria provided, single submitter. Criteria: Invitae Variant Classification Sherloc (09022015). Collection method: clinical testing. Allele origin: germline.

Women's Health and Genetics/Laboratory Corporation of America, LabCorp
Classification: Likely benign. Last evaluated: 2021-10-11. Review status: criteria provided, single submitter. Criteria: LabCorp Variant Classification Summary - May 2015. Collection method: clinical testing. Allele origin: germline.

GeneDx
Classification: Benign. Last evaluated: 2018-07-31. Review status: criteria provided, single submitter. Criteria: GeneDx Variant Classification Process June 2021. Collection method: clinical testing. Allele origin: germline. Affected: yes.
Comment: This variant is associated with the following publications: (PMID: 17033958, 21228398, 19823584, 20981092, 19479962, 20583299)

Illumina Laboratory Services, Illumina
Classification: Likely benign for Mucopolysaccharidosis, MPS-III-C. Last evaluated: 2017-04-27. Review status: criteria provided, single submitter. Criteria: ICSL Variant Classification Criteria 13 December 2019. Collection method: clinical testing. Allele origin: germline.
Comment: This variant was observed as part of a predisposition screen in an ostensibly healthy population. A literature search was performed for the gene, cDNA change, and amino acid change (where applicable). Publications were found based on this search. The evidence from the literature, in combination with allele frequency data from public databases where available, was sufficient to determine this variant is unlikely to cause disease. Therefore, this variant is classified as likely benign.

Eurofins Ntd Llc (ga)
Classification: Benign. Last evaluated: 2017-01-05. Review status: criteria provided, single submitter. Criteria: EGL Classification Definitions 2015. Collection method: clinical testing. Allele origin: germline. Observed: 2 variant alleles, 2 heterozygotes.

Breakthrough Genomics
Classification: Likely benign. Review status: criteria provided, single submitter. Criteria: ACMG Guidelines, 2015. Collection method: not provided. Allele origin: germline. Inheritance: Autosomal recessive inheritance. Affected: yes.

Natera, Inc.
Classification: Benign for Mucopolysaccharidosis type IIIC. Last evaluated: 2020-09-16. Review status: no assertion criteria provided. Collection method: clinical testing. Allele origin: germline. Not counted in ClinVar's aggregate classification.

Mayo Clinic Laboratories, Mayo Clinic
Classification: Benign. Last evaluated: 2017-09-21. Review status: no assertion criteria provided. Collection method: clinical testing. Allele origin: unknown. Not counted in ClinVar's aggregate classification.

Clinical Genetics, Academic Medical Center
Classification: Benign. Review status: no assertion criteria provided. Collection method: clinical testing. Allele origin: germline. Affected: yes. Study: VKGL Data-share Consensus. Not counted in ClinVar's aggregate classification.

Dr. Peter K. Rogan Lab, Western University
No classification provided (evidence only). Condition: Clear cell carcinoma of kidney. Review status: no classification provided. Collection method: in vitro. Allele origin: not applicable. Functional consequence: retained intron. Not counted in ClinVar's aggregate classification.

Dr. Peter K. Rogan Lab, Western University
No classification provided (evidence only). Condition: Clear cell carcinoma of kidney. Review status: no classification provided. Collection method: in vitro. Allele origin: not applicable. Functional consequence: retained intron. Not counted in ClinVar's aggregate classification.

Dr. Peter K. Rogan Lab, Western University
No classification provided (evidence only). Condition: Lung cancer. Review status: no classification provided. Collection method: in vitro. Allele origin: not applicable. Functional consequence: retained intron. Not counted in ClinVar's aggregate classification.

Dr. Peter K. Rogan Lab, Western University
No classification provided (evidence only). Condition: Lung cancer. Review status: no classification provided. Collection method: in vitro. Allele origin: not applicable. Functional consequence: retained intron. Not counted in ClinVar's aggregate classification.

Dr. Peter K. Rogan Lab, Western University
No classification provided (evidence only). Condition: Lung cancer. Review status: no classification provided. Collection method: in vitro. Allele origin: not applicable. Functional consequence: retained intron. Not counted in ClinVar's aggregate classification.

Dr. Peter K. Rogan Lab, Western University
No classification provided (evidence only). Condition: Acute myeloid leukemia. Review status: no classification provided. Collection method: in vitro. Allele origin: not applicable. Functional consequence: retained intron. Not counted in ClinVar's aggregate classification.

Dr. Peter K. Rogan Lab, Western University
No classification provided (evidence only). Condition: Thyroid cancer, nonmedullary, 1. Review status: no classification provided. Collection method: in vitro. Allele origin: not applicable. Functional consequence: retained intron. Not counted in ClinVar's aggregate classification.

Dr. Peter K. Rogan Lab, Western University
No classification provided (evidence only). Condition: Thyroid cancer, nonmedullary, 1. Review status: no classification provided. Collection method: in vitro. Allele origin: not applicable. Functional consequence: retained intron. Not counted in ClinVar's aggregate classification.

Dr. Peter K. Rogan Lab, Western University
No classification provided (evidence only). Condition: Uterine corpus endometrial carcinoma. Review status: no classification provided. Collection method: in vitro. Allele origin: not applicable. Functional consequence: retained intron. Not counted in ClinVar's aggregate classification.

Dr. Peter K. Rogan Lab, Western University
No classification provided (evidence only). Condition: Uterine corpus endometrial carcinoma. Review status: no classification provided. Collection method: in vitro. Allele origin: not applicable. Functional consequence: retained intron. Not counted in ClinVar's aggregate classification.

Dr. Peter K. Rogan Lab, Western University
No classification provided (evidence only). Condition: Uterine corpus endometrial carcinoma. Review status: no classification provided. Collection method: in vitro. Allele origin: not applicable. Functional consequence: retained intron. Not counted in ClinVar's aggregate classification.

Dr. Peter K. Rogan Lab, Western University
No classification provided (evidence only). Condition: Cervical cancer. Review status: no classification provided. Collection method: in vitro. Allele origin: not applicable. Functional consequence: retained intron. Not counted in ClinVar's aggregate classification.

Dr. Peter K. Rogan Lab, Western University
No classification provided (evidence only). Condition: Cervical cancer. Review status: no classification provided. Collection method: in vitro. Allele origin: not applicable. Functional consequence: retained intron. Not counted in ClinVar's aggregate classification.

Dr. Peter K. Rogan Lab, Western University
No classification provided (evidence only). Condition: Sarcoma. Review status: no classification provided. Collection method: in vitro. Allele origin: not applicable. Functional consequence: retained intron. Not counted in ClinVar's aggregate classification.

Dr. Peter K. Rogan Lab, Western University
No classification provided (evidence only). Condition: Sarcoma. Review status: no classification provided. Collection method: in vitro. Allele origin: not applicable. Functional consequence: retained intron. Not counted in ClinVar's aggregate classification.

Dr. Peter K. Rogan Lab, Western University
No classification provided (evidence only). Condition: Ovarian serous cystadenocarcinoma. Review status: no classification provided. Collection method: in vitro. Allele origin: not applicable. Functional consequence: retained intron. Not counted in ClinVar's aggregate classification.

Dr. Peter K. Rogan Lab, Western University
No classification provided (evidence only). Condition: Ovarian serous cystadenocarcinoma. Review status: no classification provided. Collection method: in vitro. Allele origin: not applicable. Functional consequence: retained intron. Not counted in ClinVar's aggregate classification.

Dr. Peter K. Rogan Lab, Western University
No classification provided (evidence only). Condition: Ovarian serous cystadenocarcinoma. Review status: no classification provided. Collection method: in vitro. Allele origin: not applicable. Functional consequence: retained intron. Not counted in ClinVar's aggregate classification.

Dr. Peter K. Rogan Lab, Western University
No classification provided (evidence only). Condition: Gastric cancer. Review status: no classification provided. Collection method: in vitro. Allele origin: not applicable. Functional consequence: retained intron. Not counted in ClinVar's aggregate classification.

Dr. Peter K. Rogan Lab, Western University
No classification provided (evidence only). Condition: Uterine carcinosarcoma. Review status: no classification provided. Collection method: in vitro. Allele origin: not applicable. Functional consequence: retained intron. Not counted in ClinVar's aggregate classification.

Dr. Peter K. Rogan Lab, Western University
No classification provided (evidence only). Condition: Malignant tumor of esophagus. Review status: no classification provided. Collection method: in vitro. Allele origin: not applicable. Functional consequence: retained intron. Not counted in ClinVar's aggregate classification.

Laboratory of Diagnostic Genome Analysis, Leiden University Medical Center (LUMC)
Classification: Likely benign. Review status: no assertion criteria provided. Collection method: clinical testing. Allele origin: germline. Affected: yes. Study: VKGL Data-share Consensus. Not counted in ClinVar's aggregate classification.

Literature cited by the submitters: PubMed 19479962 (cited by Illumina Laboratory Services, Illumina); PubMed 17033958 (cited by Illumina Laboratory Services, Illumina); PubMed 17397050 (cited by Illumina Laboratory Services, Illumina); PubMed 19823584 (cited by Illumina Laboratory Services, Illumina); PubMed 20583299 (cited by Illumina Laboratory Services, Illumina and Eurofins Ntd Llc (ga)).